The following is an entry in ClinVar:

NM_002880.4(RAF1):c.1505T>C (p.Val502Ala)

Gene: RAF1 (Raf-1 proto-oncogene, serine/threonine kinase; minus strand). Cytogenetic location: 3p25.2.
Variant type: single nucleotide variant.
Coding change: c.1505T>C on transcript NM_002880.4 (MANE Select); coding-DNA position 1505, T replaced by C.
Protein change: p.Val502Ala; replaces valine 502 with alanine.
Molecular consequence: missense variant. On other transcripts: non-coding transcript variant (3).
Genome position (GRCh38, 1-based): chr3:12,585,712, A>G on the plus strand (T>C on the coding strand, the complement: RAF1 is on the minus strand). VCF-style: chr3-12585712-A-G. GRCh37 (hg19) VCF-style: chr3-12627211-A-G.
Other names: c.1565T>C, p.Val522Ala (NM_001354689.3); c.1505T>C, p.Val502Ala (NM_001354690.3); c.1262T>C, p.Val421Ala (NM_001354691.3, NM_001354692.3); c.1406T>C, p.Val469Ala (NM_001354693.3); c.1322T>C, p.Val441Ala (NM_001354694.3); c.1163T>C, p.Val388Ala (NM_001354695.3); c.1505T>C (NM_002880.3); short protein forms V441A, V502A, V388A, V421A, V469A, V522A.
Identifiers: ClinVar variation 1497386 (VCV001497386.9), dbSNP rs2125325738, ClinGen allele CA351498958.
Genomic context (GRCh38, chr3:12,585,712, plus strand): 5'-AGACTGCTGGTGGGAGCCCAGATTCTCACCATCCAGAGGACAGAGCCAGTAGGTTGTTCA[A>G]CCTGCTGAGAACCACTCCAGCGTGACTTTACTGTTGCCAAACCAAAATCTCCAATTTTCA-3'
Protein context (NP_002871.1, residues 492-512): VKSRWSGSQQ[Val502Ala]EQPTGSVLWM

ClinVar aggregate classification (germline): Uncertain significance. Review status: criteria provided, multiple submitters, no conflicts (2 of 4 stars). 2 submissions from 2 submitters: Uncertain significance (2). Last evaluated 2025-09-30.

Conditions:
RASopathy. Also called: Noonan spectrum disorder; rasopathies. Identifiers: Orphanet 536391, MedGen C5555857, MONDO:0021060.
RAF1-related disorder. Also called: RAF1-related condition; RAF1-related disorders.

gnomAD v4.1: 1 of 1,614,116 alleles (0.000062%); highest among the groups gnomAD compares: Non-Finnish European, 0.000085%; no homozygotes.

Submissions (2):

PreventionGenetics, part of Exact Sciences
Classification: Uncertain significance for RAF1-related condition. Last evaluated: 2025-09-30. Review status: criteria provided, single submitter. Criteria: ACMG Guidelines, 2015. Collection method: clinical testing. Allele origin: germline.
Comment: The RAF1 c.1505T>C variant is predicted to result in the amino acid substitution p.Val502Ala. To our knowledge, this variant has not been reported in the literature or in a large population database (gnomAD), indicating this variant is rare. At this time, the clinical significance of this variant is uncertain due to the absence of conclusive functional and genetic evidence.

Labcorp Genetics (formerly Invitae), Labcorp
Classification: Uncertain significance for RASopathy. Last evaluated: 2022-07-19. Review status: criteria provided, single submitter. Criteria: Invitae Variant Classification Sherloc (09022015). Collection method: clinical testing. Allele origin: germline.
Comment: This sequence change replaces valine, which is neutral and non-polar, with alanine, which is neutral and non-polar, at codon 502 of the RAF1 protein (p.Val502Ala). In summary, the available evidence is currently insufficient to determine the role of this variant in disease. Therefore, it has been classified as a Variant of Uncertain Significance. Algorithms developed to predict the effect of missense changes on protein structure and function (SIFT, PolyPhen-2, Align-GVGD) all suggest that this variant is likely to be tolerated. ClinVar contains an entry for this variant (Variation ID: 1497386). This variant has not been reported in the literature in individuals affected with RAF1-related conditions. This variant is not present in population databases (gnomAD no frequency).